The following is an entry in ClinVar:

NM_003091.4(SNRPB):c.*137G>T

Gene: SNRPB (small nuclear ribonucleoprotein polypeptides B and B1; minus strand). Cytogenetic location: 20p13.
Variant type: single nucleotide variant.
Coding change: c.*137G>T on transcript NM_003091.4 (MANE Select); 137 bases downstream of the stop codon, G replaced by T.
Molecular consequence: 3 prime UTR variant. On other transcripts: synonymous variant (1).
Genome position (GRCh38, 1-based): chr20:2,461,792, C>A on the plus strand (G>T on the coding strand, the complement: SNRPB is on the minus strand). VCF-style: chr20-2461792-C-A. GRCh37 (hg19) VCF-style: chr20-2442438-C-A.
Other names: c.687G>T, p.Gly229= (NM_198216.2).
Identifiers: ClinVar variation 3344744 (VCV003344744.1).

ClinVar aggregate classification (germline): Uncertain significance (0 of 4 stars; one submission).

Conditions:
SNRPB-related disorder. Also called: SNRPB-related condition.

Submission:

PreventionGenetics, part of Exact Sciences
Classification: Uncertain significance for SNRPB-related condition. Last evaluated: 2024-09-12. Review status: no assertion criteria provided. Collection method: clinical testing. Allele origin: germline.
Comment: The SNRPB c.687G>T variant is not predicted to result in an amino acid change (p.=). To our knowledge, this variant has not been reported in the literature or in a large population database, indicating this variant is rare. At this time, the clinical significance of this variant is uncertain due to the absence of conclusive functional and genetic evidence.